The following is an entry in ClinVar:

NM_001363540.2(DOCK4):c.5848A>C (p.Ser1950Arg)

Gene: DOCK4 (dedicator of cytokinesis 4; minus strand). Cytogenetic location: 7q31.1.
Variant type: single nucleotide variant.
Coding change: c.5848A>C on transcript NM_001363540.2 (MANE Select); coding-DNA position 5848, A replaced by C.
Protein change: p.Ser1950Arg; replaces serine 1950 with arginine.
Molecular consequence: missense variant.
Genome position (GRCh38, 1-based): chr7:111,728,354, T>G on the plus strand (A>C on the coding strand, the complement: DOCK4 is on the minus strand). VCF-style: chr7-111728354-T-G. GRCh37 (hg19) VCF-style: chr7-111368410-T-G.
Other names: c.5821A>C, p.Ser1941Arg (NM_014705.4); short protein forms S1941R, S1950R.
Identifiers: ClinVar variation 4281410 (VCV004281410.7).

ClinVar aggregate classification (germline): Uncertain significance (1 of 4 stars; one submission).

Submission:

CeGaT Center for Human Genetics Tuebingen
Classification: Uncertain significance. Last evaluated: 2025-09-01. Review status: criteria provided, single submitter. Criteria: CeGaT Center For Human Genetics Tuebingen Variant Classification Criteria Version 2. Collection method: clinical testing. Allele origin: germline. Affected: yes. Observed: 1 variant allele.
Comment: DOCK4: PM2, BP4